The following is an entry in ClinVar:

ClinVar aggregate classification (germline): Uncertain significance. Review status: criteria provided, multiple submitters, no conflicts (2 of 4 stars). 3 submissions from 2 submitters: Uncertain significance (3). Last evaluated 2022-07-01.

Conditions:
Schwartz-Jampel syndrome. Also called: Myotonic myopathy dwarfism chondrodystrophy and ocular and facial abnormalities. Identifiers: Orphanet 800, MedGen C0036391, MONDO:0009717.
Lethal Kniest-like syndrome (DDSH). Also called: Dyssegmental Dysplasia. Identifiers: Orphanet 1865, MedGen C1857100, MONDO:0009140, OMIM 224410.

Allele frequency attached by ClinVar (database versions not stated): gnomAD exomes 0.00001 and 0.00002; TOPMed 0.00004; gnomAD 0.00005 and 0.00006.
gnomAD v4.1: 36 of 1,531,646 alleles (0.0024%); highest among the groups gnomAD compares: African/African-American, 0.011%; no homozygotes.

Submissions (3):

Labcorp Genetics (formerly Invitae), Labcorp
Classification: Uncertain significance. Last evaluated: 2022-07-01. Review status: criteria provided, single submitter. Criteria: Invitae Variant Classification Sherloc (09022015). Collection method: clinical testing. Allele origin: germline.
Comment: The frequency data for this variant in the population databases is considered unreliable, as metrics indicate poor data quality at this position in the gnomAD database. This sequence change replaces serine, which is neutral and polar, with leucine, which is neutral and non-polar, at codon 4391 of the HSPG2 protein (p.Ser4391Leu). In summary, the available evidence is currently insufficient to determine the role of this variant in disease. Therefore, it has been classified as a Variant of Uncertain Significance. Algorithms developed to predict the effect of missense changes on protein structure and function are either unavailable or do not agree on the potential impact of this missense change (SIFT: "Deleterious"; PolyPhen-2: "Possibly Damaging"; Align-GVGD: "Class C0"). ClinVar contains an entry for this variant (Variation ID: 874528). This variant has not been reported in the literature in individuals affected with HSPG2-related conditions.

Illumina Laboratory Services, Illumina
Classification: Uncertain significance for Lethal Kniest-like syndrome. Last evaluated: 2017-04-28. Review status: criteria provided, single submitter. Criteria: ICSL Variant Classification Criteria 13 December 2019. Collection method: clinical testing. Allele origin: germline.

Illumina Laboratory Services, Illumina
Classification: Uncertain significance for Schwartz-Jampel syndrome type 1. Last evaluated: 2017-04-28. Review status: criteria provided, single submitter. Criteria: ICSL Variant Classification Criteria 13 December 2019. Collection method: clinical testing. Allele origin: germline.

NM_005529.7(HSPG2):c.13172C>T (p.Ser4391Leu)

Genes: LDLRAD2 (low density lipoprotein receptor class A domain containing 2; plus strand), HSPG2 (heparan sulfate proteoglycan 2; minus strand). Cytogenetic location: 1p36.12.
Variant type: single nucleotide variant.
Coding change: c.13172C>T on transcript NM_005529.7 (MANE Select); coding-DNA position 13172, C replaced by T.
Protein change: p.Ser4391Leu; replaces serine 4391 with leucine.
Molecular consequence: missense variant. On other transcripts: 3 prime UTR variant (1).
Genome position (GRCh38, 1-based): chr1:21,823,320, G>A on the plus strand (C>T on the coding strand, the complement: HSPG2 is on the minus strand). VCF-style: chr1-21823320-G-A. GRCh37 (hg19) VCF-style: chr1-22149813-G-A.
Other names: c.13175C>T, p.Ser4392Leu (NM_001291860.2); c.*1105G>A (NM_001013693.3); short protein forms S4391L, S4392L.
Identifiers: ClinVar variation 874528 (VCV000874528.11), dbSNP rs961325868, ClinGen allele CA19145136.